The following is an entry in ClinVar:

ClinVar aggregate classification (germline): Benign/Likely benign. Review status: criteria provided, multiple submitters, no conflicts (2 of 4 stars). 6 submissions from 6 submitters: Benign (3); Likely benign (3). Last evaluated 2026-01-13.

Conditions:
Seizures, benign familial infantile, 3 (BFIS3). Also called: CONVULSIONS, BENIGN FAMILIAL INFANTILE, 3; Familial neonatal seizures. Identifiers: Orphanet 140927, Orphanet 306, MedGen C1843140, MONDO:0011904, OMIM 607745.
Inborn genetic diseases. Identifiers: MedGen C0950123, MeSH D030342.
Developmental and epileptic encephalopathy, 11 (DEE11). Also called: Early infantile epileptic encephalopathy 11. Identifiers: Orphanet 1934, MedGen C3150987, MONDO:0013388, OMIM 613721.

Allele frequency attached by ClinVar (database versions not stated): gnomAD 0.00012 and 0.00016; TOPMed 0.00040; 1000 Genomes Project 30x 0.00062; 1000 Genomes Project 0.00080.
gnomAD v4.1: 210 of 1,614,082 alleles (0.013%); highest among the groups gnomAD compares: East Asian, 0.35%; no homozygotes.

Submissions (6):

Labcorp Genetics (formerly Invitae), Labcorp
Classification: Benign for Seizures, benign familial infantile, 3; Developmental and epileptic encephalopathy, 11. Last evaluated: 2026-01-13. Review status: criteria provided, single submitter. Criteria: Invitae Variant Classification Sherloc (09022015). Collection method: clinical testing. Allele origin: germline.

Blueprint Genetics
Classification: Likely benign. Last evaluated: 2024-05-08. Review status: criteria provided, single submitter. Criteria: ACMG Guidelines, 2015. Collection method: clinical testing. Allele origin: germline.

GeneDx
Classification: Benign. Last evaluated: 2020-03-25. Review status: criteria provided, single submitter. Criteria: GeneDx Variant Classification Process June 2021. Collection method: clinical testing. Allele origin: germline. Affected: yes.

Illumina Laboratory Services, Illumina
Classification: Benign for Seizures, benign familial infantile, 3. Last evaluated: 2018-01-13. Review status: criteria provided, single submitter. Criteria: ICSL Variant Classification Criteria 13 December 2019. Collection method: clinical testing. Allele origin: germline.
Comment: This variant was observed in the ICSL laboratory as part of a predisposition screen in an ostensibly healthy population. It had not been previously curated by ICSL or reported in the Human Gene Mutation Database (HGMD: prior to June 1st, 2018), and was therefore a candidate for classification through an automated scoring system. Utilizing variant allele frequency, disease prevalence and penetrance estimates, and inheritance mode, an automated score was calculated to assess if this variant is too frequent to cause the disease. Based on the score and internal cut-off values, a variant classified as benign is not then subjected to further curation. The score for this variant resulted in a classification of benign for this disease.

Ambry Genetics
Classification: Likely benign for Inborn genetic diseases. Last evaluated: 2017-04-28. Review status: criteria provided, single submitter. Criteria: Ambry Variant Classification Scheme 2023. Collection method: clinical testing. Allele origin: germline.

Genetic Services Laboratory, University of Chicago
Classification: Likely benign. Last evaluated: 2016-03-04. Review status: criteria provided, single submitter. Criteria: ACMG Guidelines, 2015. Collection method: clinical testing. Allele origin: germline. Affected: no.

NM_001040142.2(SCN2A):c.5364G>A (p.Glu1788=)

Gene: SCN2A (sodium voltage-gated channel alpha subunit 2; plus strand). Cytogenetic location: 2q24.3.
Variant type: single nucleotide variant.
Coding change: c.5364G>A on transcript NM_001040142.2 (MANE Select); coding-DNA position 5364, G replaced by A.
Protein change: p.Glu1788=; no amino-acid change (glutamic acid 1788 retained).
Molecular consequence: synonymous variant.
Genome position (GRCh38, 1-based): chr2:165,389,170, G>A. VCF-style: chr2-165389170-G-A. GRCh37 (hg19) VCF-style: chr2-166245680-G-A.
Other names: c.5364G>A, p.Glu1788= (NM_001040143.2, NM_001371246.1, NM_001371247.1 and 1 more transcripts).
Identifiers: ClinVar variation 331738 (VCV000331738.26), dbSNP rs199925238, ClinGen allele CA1940385.
Genomic context (GRCh38, chr2:165,389,170, plus strand): 5'-GAACATGTACATCGCGGTCATCCTGGAGAACTTCAGTGTTGCTACTGAAGAAAGTGCAGA[G>A]CCTCTGAGTGAGGATGACTTTGAGATGTTCTATGAGGTTTGGGAGAAGTTTGATCCCGAT-3'
Protein context (NP_001035232.1, residues 1778-1798): NFSVATEESA[Glu1788=]PLSEDDFEMF